The following is an entry in ClinVar:

NM_007294.4(BRCA1):c.3050A>C (p.Glu1017Ala)

Gene: BRCA1 (BRCA1 DNA repair associated; minus strand). Cytogenetic location: 17q21.31.
Variant type: single nucleotide variant.
Coding change: c.3050A>C on transcript NM_007294.4 (MANE Select); coding-DNA position 3050, A replaced by C.
Protein change: p.Glu1017Ala; replaces glutamic acid 1017 with alanine.
Molecular consequence: missense variant. On other transcripts: intron variant (137).
Genome position (GRCh38, 1-based): chr17:43,092,481, T>G on the plus strand (A>C on the coding strand, the complement: BRCA1 is on the minus strand). VCF-style: chr17-43092481-T-G. GRCh37 (hg19) VCF-style: chr17-41244498-T-G.
Other names: c.2909A>C, p.Glu970Ala (NM_001407727.1, NM_001407728.1, NM_001407729.1 and 29 more transcripts); c.2927A>C, p.Glu976Ala (NM_001407939.1, NM_001407863.1, NM_001407919.1 and 19 more transcripts); c.2924A>C, p.Glu975Ala (NM_001407940.1, NM_001407941.1, NM_001407649.1 and 11 more transcripts); c.2837A>C, p.Glu946Ala (NM_001407853.1, NM_001407894.1, NM_001407895.1 and 9 more transcripts); c.3050A>C, p.Glu1017Ala (NM_001407854.1, NM_001407858.1, NM_001407859.1 and 30 more transcripts); c.3047A>C, p.Glu1016Ala (NM_001407860.1, NM_001407861.1, NM_001407587.1 and 22 more transcripts); c.2849A>C, p.Glu950Ala (NM_001407862.1); c.2846A>C, p.Glu949Ala (NM_001407874.1, NM_001407875.1); and 41 more; short protein forms E721A, E947A, E950A, E991A, E1014A, E849A, E905A, E949A.
Identifiers: ClinVar variation 2450690 (VCV002450690.2), dbSNP rs2154345271, ClinGen allele CA10595892.

ClinVar aggregate classification (germline): Uncertain significance (1 of 4 stars; one submission).

Conditions:
Hereditary cancer-predisposing syndrome. Also called: Neoplastic Syndromes, Hereditary; Tumor predisposition; Hereditary neoplastic syndrome; Hereditary Cancer Syndrome. Identifiers: Orphanet 140162, MedGen C0027672, MeSH D009386, MONDO:0015356.

Submission:

Ambry Genetics
Classification: Uncertain significance for Hereditary cancer-predisposing syndrome. Last evaluated: 2023-02-16. Review status: criteria provided, single submitter. Criteria: Ambry Variant Classification Scheme 2023. Collection method: clinical testing. Allele origin: germline.
Comment: The p.E1017A variant (also known as c.3050A>C), located in coding exon 9 of the BRCA1 gene, results from an A to C substitution at nucleotide position 3050. The glutamic acid at codon 1017 is replaced by alanine, an amino acid with dissimilar properties. This amino acid position is not well conserved in available vertebrate species. In addition, the in silico prediction for this alteration is inconclusive. Since supporting evidence is limited at this time, the clinical significance of this alteration remains unclear.